The following is an entry in ClinVar:

ClinVar aggregate classification (germline): Likely benign. Review status: criteria provided, multiple submitters, no conflicts (2 of 4 stars). 3 submissions from 3 submitters: Likely benign (2). 1 of the submissions does not count toward it. Last evaluated 2024-11-20.

Conditions:
TBX3-related disorder. Also called: TBX3-related condition.
Ulnar-mammary syndrome (UMS). Also called: Ulnar-mammary syndrome of Pallister; SCHINZEL SYNDROME; PALLISTER ULNAR-MAMMARY SYNDROME. Identifiers: Orphanet 3138, MedGen C1866994, MONDO:0008411, OMIM 181450.

gnomAD v4.1: 183 of 1,613,858 alleles (0.011%); highest among the groups gnomAD compares: Non-Finnish European, 0.014%; no homozygotes.

Submissions (3):

Blueprint Genetics
Classification: Likely benign. Last evaluated: 2024-11-20. Review status: criteria provided, single submitter. Criteria: ACMG Guidelines, 2015. Collection method: clinical testing. Allele origin: germline.

Labcorp Genetics (formerly Invitae), Labcorp
Classification: Likely benign for Ulnar-mammary syndrome. Last evaluated: 2024-11-10. Review status: criteria provided, single submitter. Criteria: Invitae Variant Classification Sherloc (09022015). Collection method: clinical testing. Allele origin: germline.

PreventionGenetics, part of Exact Sciences
Classification: Likely benign for TBX3-related condition. Last evaluated: 2019-08-20. Review status: no assertion criteria provided. Collection method: clinical testing. Allele origin: germline. Not counted in ClinVar's aggregate classification.
Comment: This variant is classified as likely benign based on ACMG/AMP sequence variant interpretation guidelines (Richards et al. 2015 PMID: 25741868, with internal and published modifications).

NM_005996.4(TBX3):c.564G>C (p.Pro188=)

Gene: TBX3 (T-box transcription factor 3; minus strand). Cytogenetic location: 12q24.21.
Variant type: single nucleotide variant.
Coding change: c.564G>C on transcript NM_005996.4 (MANE Select); coding-DNA position 564, G replaced by C.
Protein change: p.Pro188=; no amino-acid change (proline 188 retained).
Molecular consequence: synonymous variant.
Genome position (GRCh38, 1-based): chr12:114,680,972, C>G on the plus strand (G>C on the coding strand, the complement: TBX3 is on the minus strand). VCF-style: chr12-114680972-C-G. GRCh37 (hg19) VCF-style: chr12-115118777-C-G.
Other names: c.564G>C, p.Pro188= (NM_016569.4); c.564G>C (NM_016569.3).
Identifiers: ClinVar variation 2039563 (VCV002039563.7), dbSNP rs761461348, ClinGen allele CA6810175.